The following is an entry in ClinVar:

ClinVar aggregate classification (germline): Likely pathogenic (1 of 4 stars; one submission).

Conditions:
Hematuria, benign familial, 1 (BFH1). Also called: THIN MEMBRANE NEPHROPATHY. Identifiers: MedGen CN376803, MONDO:0007709, OMIM 141200.
Autosomal recessive Alport syndrome (ATS2). Also called: COL4A3-Related Nephropathy; COL4A4 Alport Syndrome and Thin Basement Membrane Nephropathy; Alport syndrome type 2; ALPORT SYNDROME 2, AUTOSOMAL RECESSIVE. Identifiers: Orphanet 63, Orphanet 88919, MedGen C4746745, MONDO:0008762, OMIM 203780.

Submission:

Juno Genomics, Hangzhou Juno Genomics, Inc
Classification: Likely pathogenic for Hematuria, benign familial, 1; Autosomal recessive Alport syndrome. Review status: criteria provided, single submitter. Criteria: ACMG Guidelines, 2015. Collection method: clinical testing. Allele origin: germline. Affected: yes.
Comment: Absent from controls (or at extremely low frequency if recessive) in Genome Aggregation Database, Exome Sequencing Project, 1000 Genomes Project, or Exome Aggregation Consortium.;Null variant in a gene where loss of function (LOF) is a known mechanism of disease.

NM_000092.5(COL4A4):c.1938_1941dup (p.Gly648fs)

Gene: COL4A4 (collagen type IV alpha 4 chain; minus strand). Cytogenetic location: 2q36.3.
Variant type: Duplication.
Coding change: c.1938_1941dup on transcript NM_000092.5 (MANE Select); coding-DNA positions 1938 to 1941, 4 bases duplicated (TCCA; older notation c.1938_1941dupTCCA).
Protein change: p.Gly648fs; shifts the reading frame from glycine 648.
Molecular consequence: frameshift variant.
Genome position (GRCh38, 1-based): chr2:227,077,940-227,077,943, TGGA duplicated on the plus strand (TCCA on the coding strand, the reverse complement: COL4A4 is on the minus strand). VCF-style (leftmost placement, unchanged base first): chr2-227077939-C-CTGGA. GRCh37 (hg19) VCF-style: chr2-227942655-C-CTGGA.
Other names: short protein forms G648fs.
Identifiers: ClinVar variation 3382225 (VCV003382225.2).
Genomic context (GRCh38, chr2:227,077,939, plus strand): 5'-TTTTTTTAAAATTACCTTTCTGACCCTTCAAGCCATCAGGGCCCCTCACACCTGGGTGGC[C>CTGGA]TGGAACTCCTGGGTGGCCTCGCTCTCCTGGTGGACCAGGAAATCCCAGTCCTGGGGGCCC-3'